The following is an entry in ClinVar:

ClinVar aggregate classification (germline): Benign (0 of 4 stars; one submission).

Conditions:
DENND4B-related disorder. Also called: DENND4B-related condition.

Allele frequency attached by ClinVar (database versions not stated): ExAC 0.01282; ESP Exome Variant Server 0.02519; gnomAD 0.02832; TOPMed 0.03084; 1000 Genomes Project 0.03315; 1000 Genomes Project 30x 0.03467.
gnomAD v4.1: 8,140 of 1,600,432 alleles (0.51%); highest among the groups gnomAD compares: African/African-American, 9.9%; 404 homozygotes.

Submission:

PreventionGenetics, part of Exact Sciences
Classification: Benign for DENND4B-related condition. Last evaluated: 2019-02-18. Review status: no assertion criteria provided. Collection method: clinical testing. Allele origin: germline.
Comment: This variant is classified as benign based on ACMG/AMP sequence variant interpretation guidelines (Richards et al. 2015 PMID: 25741868, with internal and published modifications).

NM_014856.3(DENND4B):c.-6G>C

Gene: DENND4B (DENN domain containing 4B; minus strand). Cytogenetic location: 1q21.3.
Variant type: single nucleotide variant.
Coding change: c.-6G>C on transcript NM_014856.3 (MANE Select); 6 bases upstream of the start codon, G replaced by C.
Molecular consequence: 5 prime UTR variant. On other transcripts: missense variant (1).
Genome position (GRCh38, 1-based): chr1:153,944,380, C>G on the plus strand (G>C on the coding strand, the complement: DENND4B is on the minus strand). VCF-style: chr1-153944380-C-G. GRCh37 (hg19) VCF-style: chr1-153916856-C-G.
Other names: c.28G>C, p.Gly10Arg (NM_001367466.1); short protein forms G10R.
Identifiers: ClinVar variation 3055732 (VCV003055732.2), dbSNP rs74115717, ClinGen allele CA1122069.
Genomic context (GRCh38, chr1:153,944,380, plus strand): 5'-CAAGCCCAGCTACCACGAAGTAATCCACCAGCCGGGGGGGCCGCTCCTCCGCCATGGCCC[C>G]CCCCTCACTCACTGCATCTGGAATGGTCAAGTGGGAGAGAGATGAAGCAAGGAAGGCTGG-3'